The following is an entry in ClinVar:

ClinVar aggregate classification (germline): Uncertain significance (1 of 4 stars; one submission).

Conditions:
Galactosylceramide beta-galactosidase deficiency. Also called: Leukodystrophy, Globoid Cell; GALACTOCEREBROSIDASE DEFICIENCY; GALC DEFICIENCY; GLOBOID CELL LEUKOENCEPHALOPATHY; Krabbe Disease. Identifiers: Orphanet 487, MedGen C0023521, MONDO:0009499, OMIM 245200.

Allele frequency attached by ClinVar (database versions not stated): gnomAD exomes below 0.00001.
gnomAD v4.1: 1 of 1,613,240 alleles (0.000062%); highest among the groups gnomAD compares: Non-Finnish European, 0.000085%; no homozygotes.

Submission:

Labcorp Genetics (formerly Invitae), Labcorp
Classification: Uncertain significance for Galactosylceramide beta-galactosidase deficiency. Last evaluated: 2022-02-20. Review status: criteria provided, single submitter. Criteria: Invitae Variant Classification Sherloc (09022015). Collection method: clinical testing. Allele origin: germline.
Comment: Advanced modeling of protein sequence and biophysical properties (such as structural, functional, and spatial information, amino acid conservation, physicochemical variation, residue mobility, and thermodynamic stability) performed at Invitae indicates that this missense variant is expected to disrupt GALC protein function. In summary, the available evidence is currently insufficient to determine the role of this variant in disease. Therefore, it has been classified as a Variant of Uncertain Significance. This variant has not been reported in the literature in individuals affected with GALC-related conditions. This variant is not present in population databases (gnomAD no frequency). This sequence change replaces asparagine, which is neutral and polar, with serine, which is neutral and polar, at codon 678 of the GALC protein (p.Asn678Ser).

NM_000153.4(GALC):c.2033A>G (p.Asn678Ser)

Gene: GALC (galactosylceramidase; minus strand). Cytogenetic location: 14q31.3.
Variant type: single nucleotide variant.
Coding change: c.2033A>G on transcript NM_000153.4 (MANE Select); coding-DNA position 2033, A replaced by G.
Protein change: p.Asn678Ser; replaces asparagine 678 with serine.
Molecular consequence: missense variant.
Genome position (GRCh38, 1-based): chr14:87,934,757, T>C on the plus strand (A>G on the coding strand, the complement: GALC is on the minus strand). VCF-style: chr14-87934757-T-C. GRCh37 (hg19) VCF-style: chr14-88401101-T-C.
Other names: c.1964A>G, p.Asn655Ser (NM_001201401.2); c.1955A>G, p.Asn652Ser (NM_001201402.2); short protein forms N652S, N655S, N678S.
Identifiers: ClinVar variation 2151006 (VCV002151006.4), dbSNP rs2503316019, ClinGen allele CA390745114.
Genomic context (GRCh38, chr14:87,934,757, plus strand): 5'-AAAATCCAGAGTATTCTATGATGCCCTGTTAAGTATTAGCGTGTGGCTTCCACAAGAAAG[T>C]TGTCAAACTGTGCAAATTCAAAGGAGTGAGTTCCAATTGCAGCCCAGCCATTCTTTGGAA-3'
Protein context (NP_000144.2, residues 668-685): THSFEFAQFD[Asn678Ser]FLVEATR